The following is an entry in ClinVar:

ClinVar aggregate classification (germline): Benign. Review status: criteria provided, multiple submitters, no conflicts (2 of 4 stars). 3 submissions from 3 submitters: Benign (2). 1 of the submissions does not count toward it. Last evaluated 2019-12-31.

Conditions:
CARD10-related disorder. Also called: CARD10-related condition.

Allele frequency attached by ClinVar (database versions not stated): TOPMed 0.00916; ESP Exome Variant Server 0.00961; 1000 Genomes Project 0.01138; 1000 Genomes Project 30x 0.01202; gnomAD exomes 0.00215; ExAC 0.00259; gnomAD 0.00813 and 0.00864.
gnomAD v4.1: 2,373 of 1,614,180 alleles (0.15%); highest among the groups gnomAD compares: African/African-American, 2.8%; 25 homozygotes.

Submissions (3):

Labcorp Genetics (formerly Invitae), Labcorp
Classification: Benign. Last evaluated: 2019-12-31. Review status: criteria provided, single submitter. Criteria: Invitae Variant Classification Sherloc (09022015). Collection method: clinical testing. Allele origin: germline.

Breakthrough Genomics
Classification: Benign. Review status: criteria provided, single submitter. Criteria: ACMG Guidelines, 2015. Collection method: not provided. Allele origin: germline. Inheritance: Autosomal recessive inheritance. Affected: yes.

PreventionGenetics, part of Exact Sciences
Classification: Benign for CARD10-related condition. Last evaluated: 2019-03-15. Review status: no assertion criteria provided. Collection method: clinical testing. Allele origin: germline. Not counted in ClinVar's aggregate classification.
Comment: This variant is classified as benign based on ACMG/AMP sequence variant interpretation guidelines (Richards et al. 2015 PMID: 25741868, with internal and published modifications).

NM_014550.4(CARD10):c.1144G>A (p.Ala382Thr)

Gene: CARD10 (caspase recruitment domain family member 10; minus strand). Cytogenetic location: 22q13.1.
Variant type: single nucleotide variant.
Coding change: c.1144G>A on transcript NM_014550.4 (MANE Select); coding-DNA position 1144, G replaced by A.
Protein change: p.Ala382Thr; replaces alanine 382 with threonine.
Molecular consequence: missense variant.
Genome position (GRCh38, 1-based): chr22:37,507,876, C>T on the plus strand (G>A on the coding strand, the complement: CARD10 is on the minus strand). VCF-style: chr22-37507876-C-T. GRCh37 (hg19) VCF-style: chr22-37903883-C-T.
Other names: short protein forms A382T.
Identifiers: ClinVar variation 777704 (VCV000777704.7), dbSNP rs61746683, ClinGen allele CA10219950.